The following is an entry in ClinVar:

ClinVar aggregate classification (germline): Uncertain significance (1 of 4 stars; one submission).

Conditions:
Diabetes mellitus, transient neonatal, 1 (TNDM1). Also called: Diabetes Mellitus, 6q24-Related Transient Neonatal. Identifiers: Orphanet 99886, MedGen C1832386, MONDO:0011073, OMIM 601410.

gnomAD v4.1: 6 of 1,613,088 alleles (0.00037%); highest among the groups gnomAD compares: Admixed American, 0.01%; no homozygotes.

Submission:

ARUP Laboratories, Molecular Genetics and Genomics, ARUP Laboratories
Classification: Uncertain significance for Diabetes mellitus, transient neonatal, 1. Last evaluated: 2024-04-29. Review status: criteria provided, single submitter. Criteria: ARUP Molecular Germline Variant Investigation Process 2024. Collection method: clinical testing. Allele origin: germline.
Comment: The ZFP57 c.1282G>A; p.Val428Ile variant (rs758763239), to our knowledge, is not reported in the medical literature or gene specific databases. This variant is observed in the Admixed American population with an allele frequency of 0.02% (6/34416 alleles) in the Genome Aggregation Database (v2.1.1). Computational analyses predict that this variant is neutral (REVEL: 0.076). Due to limited information, the clinical significance of this variant is uncertain at this time.

NM_001109809.5(ZFP57):c.1282G>A (p.Val428Ile)

Gene: ZFP57 (ZFP57 zinc finger protein; minus strand). Cytogenetic location: 6p22.1.
Variant type: single nucleotide variant.
Coding change: c.1282G>A on transcript NM_001109809.5 (MANE Select); coding-DNA position 1282, G replaced by A.
Protein change: p.Val428Ile; replaces valine 428 with isoleucine.
Molecular consequence: missense variant.
Genome position (GRCh38, 1-based): chr6:29,672,829, C>T on the plus strand (G>A on the coding strand, the complement: ZFP57 is on the minus strand). VCF-style: chr6-29672829-C-T. GRCh37 (hg19) VCF-style: chr6-29640606-C-T.
Other names: c.1066G>A, p.Val356Ile (NM_001366333.2); short protein forms V356I, V428I.
Identifiers: ClinVar variation 3766594 (VCV003766594.1).
Genomic context (GRCh38, chr6:29,672,829, plus strand): 5'-AGAGGTCACAGATAGGGCAAAGGTAGCTCTTCTGCTTCCAGTGGGTCTGCTGGTGTCTGA[C>T]CAGCCTGGAAAATGAGCTGAAAGACTTGCTGCAATGGAAGCAGTAGTTGGGCGGCTCTGT-3'
Protein context (NP_001103279.2, residues 418-438): SKSFSSFSRL[Val428Ile]RHQQTHWKQK